The following is an entry in ClinVar:

ClinVar aggregate classification (germline): Uncertain significance. Review status: criteria provided, multiple submitters, no conflicts (2 of 4 stars). 2 submissions from 2 submitters: Uncertain significance (2). Last evaluated 2022-12-17.

Allele frequency attached by ClinVar (database versions not stated): gnomAD exomes below 0.00001.
gnomAD v4.1: 6 of 1,613,930 alleles (0.00037%); highest among the groups gnomAD compares: Non-Finnish European, 0.00042%; no homozygotes.

Submissions (2):

Labcorp Genetics (formerly Invitae), Labcorp
Classification: Uncertain significance. Last evaluated: 2022-12-17. Review status: criteria provided, single submitter. Criteria: Invitae Variant Classification Sherloc (09022015). Collection method: clinical testing. Allele origin: germline.
Comment: This sequence change replaces glutamic acid, which is acidic and polar, with lysine, which is basic and polar, at codon 1336 of the POLR1A protein (p.Glu1336Lys). This variant is present in population databases (no rsID available, gnomAD 0.007%). This variant has not been reported in the literature in individuals affected with POLR1A-related conditions. Advanced modeling of protein sequence and biophysical properties (such as structural, functional, and spatial information, amino acid conservation, physicochemical variation, residue mobility, and thermodynamic stability) performed at Invitae indicates that this missense variant is not expected to disrupt POLR1A protein function. In summary, the available evidence is currently insufficient to determine the role of this variant in disease. Therefore, it has been classified as a Variant of Uncertain Significance.

Blueprint Genetics
Classification: Uncertain significance. Last evaluated: 2018-10-02. Review status: criteria provided, single submitter. Criteria: ACMG Guidelines, 2015. Collection method: clinical testing. Allele origin: germline.

NM_015425.6(POLR1A):c.4006G>A (p.Glu1336Lys)

Gene: POLR1A (RNA polymerase I subunit A; minus strand). Cytogenetic location: 2p11.2.
Variant type: single nucleotide variant.
Coding change: c.4006G>A on transcript NM_015425.6 (MANE Select); coding-DNA position 4006, G replaced by A.
Protein change: p.Glu1336Lys; replaces glutamic acid 1336 with lysine.
Molecular consequence: missense variant.
Genome position (GRCh38, 1-based): chr2:86,038,728, C>T on the plus strand (G>A on the coding strand, the complement: POLR1A is on the minus strand). VCF-style: chr2-86038728-C-T. GRCh37 (hg19) VCF-style: chr2-86265851-C-T.
Other names: short protein forms E1336K.
Identifiers: ClinVar variation 2975369 (VCV002975369.4), dbSNP rs1401378860, ClinGen allele CA347549957.